The following is an entry in ClinVar:

ClinVar aggregate classification (germline): Uncertain significance (1 of 4 stars; one submission).

Conditions:
Emery-Dreifuss muscular dystrophy 4, autosomal dominant (EDMD4). Also called: EMERY-DREIFUSS MUSCULAR DYSTROPHY 4 WITH VARIABLE FEATURES. Identifiers: Orphanet 261, MedGen C2751807, MONDO:0013071, OMIM 612998.
Autosomal recessive ataxia, Beauce type. Also called: Spinocerebellar ataxia, autosomal recessive 8; ATAXIA, RECESSIVE, OF BEAUCE; SYNE1-Related Autosomal Recessive Cerebellar Ataxia; SYNE1 Deficiency. Identifiers: Orphanet 88644, MedGen C1853116, MONDO:0012549, OMIM 610743.

Allele frequency attached by ClinVar (database versions not stated): gnomAD exomes below 0.00001.
gnomAD v4.1: 1 of 1,613,790 alleles (0.000062%); highest among the groups gnomAD compares: Admixed American, 0.0017%; no homozygotes.

Submission:

Labcorp Genetics (formerly Invitae), Labcorp
Classification: Uncertain significance for Emery-Dreifuss muscular dystrophy 4, autosomal dominant; Spinocerebellar ataxia, autosomal recessive 8. Last evaluated: 2019-01-02. Review status: criteria provided, single submitter. Criteria: Invitae Variant Classification Sherloc (09022015). Collection method: clinical testing. Allele origin: germline.
Comment: This sequence change replaces cysteine with serine at codon 872 of the SYNE1 protein (p.Cys872Ser). The cysteine residue is highly conserved and there is a moderate physicochemical difference between cysteine and serine. This variant is not present in population databases (ExAC no frequency). This variant has not been reported in the literature in individuals with SYNE1-related conditions. Algorithms developed to predict the effect of missense changes on protein structure and function are either unavailable or do not agree on the potential impact of this missense change (SIFT: "Deleterious"; PolyPhen-2: "Possibly Damaging"; Align-GVGD: "Class C0"). In summary, the available evidence is currently insufficient to determine the role of this variant in disease. Therefore, it has been classified as a Variant of Uncertain Significance.

NM_182961.4(SYNE1):c.2593T>A (p.Cys865Ser)

Gene: SYNE1 (spectrin repeat containing nuclear envelope protein 1; minus strand). Cytogenetic location: 6q25.2.
Variant type: single nucleotide variant.
Coding change: c.2593T>A on transcript NM_182961.4 (MANE Select); coding-DNA position 2593, T replaced by A.
Protein change: p.Cys865Ser; replaces cysteine 865 with serine.
Molecular consequence: missense variant.
Genome position (GRCh38, 1-based): chr6:152,456,020, A>T on the plus strand (T>A on the coding strand, the complement: SYNE1 is on the minus strand). VCF-style: chr6-152456020-A-T. GRCh37 (hg19) VCF-style: chr6-152777155-A-T.
Other names: c.2614T>A, p.Cys872Ser (NM_033071.5); short protein forms C872S, C865S.
Identifiers: ClinVar variation 844903 (VCV000844903.1), dbSNP rs1192925822, ClinGen allele CA366113076.